The following is an entry in ClinVar:

ClinVar aggregate classification (germline): Uncertain significance. Review status: criteria provided, multiple submitters, no conflicts (2 of 4 stars). 2 submissions from 2 submitters: Uncertain significance (2). Last evaluated 2023-01-17.

Conditions:
Inborn genetic diseases. Identifiers: MedGen C0950123, MeSH D030342.
Cowden syndrome (CS). Also called: Cowden's disease; Cowden's syndrome; Cowden disease. Identifiers: Orphanet 201, MedGen C0018553, MONDO:0016063. Disease mechanism: gain of function.

Submissions (2):

Labcorp Genetics (formerly Invitae), Labcorp
Classification: Uncertain significance for Cowden syndrome. Last evaluated: 2023-01-17. Review status: criteria provided, single submitter. Criteria: Invitae Variant Classification Sherloc (09022015). Collection method: clinical testing. Allele origin: germline.
Comment: In summary, the available evidence is currently insufficient to determine the role of this variant in disease. Therefore, it has been classified as a Variant of Uncertain Significance. Algorithms developed to predict the effect of missense changes on protein structure and function (SIFT, PolyPhen-2, Align-GVGD) all suggest that this variant is likely to be tolerated. ClinVar contains an entry for this variant (Variation ID: 1772793). This variant has not been reported in the literature in individuals affected with PIK3CA-related conditions. This variant is not present in population databases (gnomAD no frequency). This sequence change replaces serine, which is neutral and polar, with threonine, which is neutral and polar, at codon 482 of the PIK3CA protein (p.Ser482Thr).

Ambry Genetics
Classification: Uncertain significance for Inborn genetic diseases. Last evaluated: 2022-06-27. Review status: criteria provided, single submitter. Criteria: Ambry Variant Classification Scheme 2023. Collection method: clinical testing. Allele origin: germline.
Comment: The p.S482T variant (also known as c.1445G>C), located in coding exon 8 of the PIK3CA gene, results from a G to C substitution at nucleotide position 1445. The serine at codon 482 is replaced by threonine, an amino acid with similar properties. This amino acid position is conserved. In addition, this alteration is predicted to be tolerated by in silico analysis. Since supporting evidence is limited at this time, the clinical significance of this alteration remains unclear.

NM_006218.4(PIK3CA):c.1445G>C (p.Ser482Thr)

Gene: PIK3CA (phosphatidylinositol-4,5-bisphosphate 3-kinase catalytic subunit alpha; plus strand). Cytogenetic location: 3q26.32.
Variant type: single nucleotide variant.
Coding change: c.1445G>C on transcript NM_006218.4 (MANE Select); coding-DNA position 1445, G replaced by C.
Protein change: p.Ser482Thr; replaces serine 482 with threonine.
Molecular consequence: missense variant.
Genome position (GRCh38, 1-based): chr3:179,210,471, G>C. VCF-style: chr3-179210471-G-C. GRCh37 (hg19) VCF-style: chr3-178928259-G-C.
Other names: short protein forms S482T.
Identifiers: ClinVar variation 1772793 (VCV001772793.5), dbSNP rs1430749145, ClinGen allele CA355262452.
Genomic context (GRCh38, chr3:179,210,471, plus strand): 5'-GCTTTTCTTCCATCTCTTAGGAAACTCCATGCTTAGAGTTGGAGTTTGACTGGTTCAGCA[G>C]TGTGGTAAAGTTCCCAGATATGTCAGTGATTGAAGAGCATGCCAATTGGTCTGTATCCCG-3'
Protein context (NP_006209.2, residues 472-492): CLELEFDWFS[Ser482Thr]VVKFPDMSVI